The following is an entry in ClinVar:

ClinVar aggregate classification (germline): Uncertain significance (1 of 4 stars; one submission).

gnomAD v4.1: 1 of 1,609,436 alleles (0.000062%); highest among the groups gnomAD compares: Non-Finnish European, 0.000085%; no homozygotes.

Submission:

Labcorp Genetics (formerly Invitae), Labcorp
Classification: Uncertain significance. Last evaluated: 2024-07-31. Review status: criteria provided, single submitter. Criteria: Invitae Variant Classification Sherloc (09022015). Collection method: clinical testing. Allele origin: germline.
Comment: This sequence change replaces arginine, which is basic and polar, with leucine, which is neutral and non-polar, at codon 331 of the C1S protein (p.Arg331Leu). This variant is not present in population databases (gnomAD no frequency). This variant has not been reported in the literature in individuals affected with C1S-related conditions. Advanced modeling of protein sequence and biophysical properties (such as structural, functional, and spatial information, amino acid conservation, physicochemical variation, residue mobility, and thermodynamic stability) performed at Invitae indicates that this missense variant is not expected to disrupt C1S protein function with a negative predictive value of 80%. In summary, the available evidence is currently insufficient to determine the role of this variant in disease. Therefore, it has been classified as a Variant of Uncertain Significance.

NM_001734.5(C1S):c.992G>T (p.Arg331Leu)

Gene: C1S (complement C1s; plus strand). Cytogenetic location: 12p13.31.
Variant type: single nucleotide variant.
Coding change: c.992G>T on transcript NM_001734.5 (MANE Select); coding-DNA position 992, G replaced by T.
Protein change: p.Arg331Leu; replaces arginine 331 with leucine.
Molecular consequence: missense variant.
Genome position (GRCh38, 1-based): chr12:7,067,043, G>T. VCF-style: chr12-7067043-G-T. GRCh37 (hg19) VCF-style: chr12-7174347-G-T.
Other names: c.491G>T, p.Arg164Leu (NM_001346850.2); c.992G>T, p.Arg331Leu (NM_201442.4); short protein forms R164L, R331L.
Identifiers: ClinVar variation 3679560 (VCV003679560.2).
Genomic context (GRCh38, chr12:7,067,043, plus strand): 5'-TTTTGGTTTCCCATATCTCTCTTCAGAAATAAGTGGTGATGTTTATTATTCTCCAGGGAC[G>T]TGTTGGTGCAACATCTTTCTATTCGACTTGTCAAAGCAATGGAAAGTGGAGTAATTCCAA-3'
Protein context (NP_001725.1, residues 321-341): CLDGFEVVEG[Arg331Leu]VGATSFYSTC